The following is an entry in ClinVar:

NM_001130987.2(DYSF):c.4388-246C>T

Gene: DYSF (dysferlin; plus strand). Cytogenetic location: 2p13.2.
Variant type: single nucleotide variant.
Coding change: c.4388-246C>T on transcript NM_001130987.2 (MANE Select); 246 bases into the intron before coding-DNA position 4388, C replaced by T.
Molecular consequence: intron variant.
Genome position (GRCh38, 1-based): chr2:71,613,088, C>T. VCF-style: chr2-71613088-C-T. GRCh37 (hg19) VCF-style: chr2-71840218-C-T.
Other names: NC_000002.11:g.71840218C>T; c.4427-246C>T (NM_001130979.2); c.4385-246C>T (NM_001130981.2, NM_001130980.2); c.4334-246C>T (NM_001130978.2, NM_003494.4); c.4292-246C>T (NM_001130977.2, NM_001130976.2); c.4430-246C>T (NM_001130982.2); c.4388-246C>T (NM_001130985.2); c.4337-246C>T (NM_001130983.2, NM_001130455.2); and 1 more.
Identifiers: ClinVar variation 670491 (VCV000670491.3), dbSNP rs58806374, ClinGen allele CA15199958.

ClinVar aggregate classification (germline): Benign. Review status: criteria provided, multiple submitters, no conflicts (2 of 4 stars). 2 submissions from 2 submitters: Benign (2). Last evaluated 2018-06-19.

Allele frequency attached by ClinVar (database versions not stated): gnomAD 0.18924 and 0.18091; 1000 Genomes Project 0.18950; 1000 Genomes Project 30x 0.19847; TOPMed 0.19791.
gnomAD v4.1: 27,175 of 151,146 alleles (18%); highest among the groups gnomAD compares: African/African-American, 48%; 5,001 homozygotes.

Submissions (4):

GeneDx
Classification: Benign. Last evaluated: 2018-06-19. Review status: criteria provided, single submitter. Criteria: GeneDx Variant Classification (06012015). Collection method: clinical testing. Allele origin: germline. Affected: yes.
Comment: This variant is considered likely benign or benign based on one or more of the following criteria: it is a conservative change, it occurs at a poorly conserved position in the protein, it is predicted to be benign by multiple in silico algorithms, and/or has population frequency not consistent with disease.

Breakthrough Genomics
Classification: Benign. Review status: criteria provided, single submitter. Criteria: ACMG Guidelines, 2015. Collection method: not provided. Allele origin: germline. Inheritance: Autosomal recessive inheritance. Affected: yes.

Dr. Peter K. Rogan Lab, Western University
No classification provided (evidence only). Condition: Lung cancer. Review status: no classification provided. Collection method: in vitro. Allele origin: not applicable. Functional consequence: retained intron. Not counted in ClinVar's aggregate classification.

Dr. Peter K. Rogan Lab, Western University
No classification provided (evidence only). Condition: Thymoma. Review status: no classification provided. Collection method: in vitro. Allele origin: not applicable. Functional consequence: retained intron. Not counted in ClinVar's aggregate classification.